The following is an entry in ClinVar:

ClinVar aggregate classification (germline): Uncertain significance. Review status: criteria provided, multiple submitters, no conflicts (2 of 4 stars). 2 submissions from 2 submitters: Uncertain significance (2). Last evaluated 2026-06-15.

Conditions:
Cerebellar ataxia-hypogonadism syndrome. Also called: CEREBELLAR ATAXIA AND HYPOGONADOTROPIC HYPOGONADISM; LHRH DEFICIENCY AND ATAXIA; Gordon Holmes syndrome; Luteinizing hormone releasing hormone, deficiency of with ataxia; Cerebellar ataxia hypogonadotropic hypogonadism. Identifiers: Orphanet 1173, MedGen C1859305, MONDO:0008935, OMIM 212840.

Allele frequency attached by ClinVar (database versions not stated): TOPMed 0.00002.

Submissions (2):

Women's Health and Genetics/Laboratory Corporation of America, LabCorp
Classification: Uncertain significance. Last evaluated: 2026-06-15. Review status: criteria provided, single submitter. Criteria: LabCorp Variant Classification Summary - May 2015. Collection method: clinical testing. Allele origin: germline.
Comment: Variant summary: RNF216 c.1172G>C (p.Arg391Thr) results in a non-conservative amino acid change in the encoded protein sequence. Algorithms developed to predict the effect of missense changes on protein structure and function are either unavailable or do not agree on the potential impact of this missense change. The frequency data for this variant in gnomAD is considered unreliable, as metrics indicate poor data quality at this position. To our knowledge, no occurrence of c.1172G>C in individuals affected with RNF216-related conditions and no experimental evidence demonstrating its impact on protein function have been reported. ClinVar contains an entry for this variant (Variation ID: 1676240). Based on the evidence outlined above, the variant was classified as uncertain significance.

Molecular Genetics, Royal Melbourne Hospital
Classification: Uncertain significance for Cerebellar ataxia-hypogonadism syndrome. Last evaluated: 2021-05-12. Review status: criteria provided, single submitter. Criteria: ACMG Guidelines, 2015. Collection method: clinical testing. Allele origin: germline. Affected: yes.
Comment: This sequence change is predicted to replace arginine with threonine at codon 391 of the RNF216 protein (p.(Arg391Thr)). The arginine residue is moderately conserved (100 vertebrates, UCSC), and is not located in a known functional domain. There is a moderate physicochemical difference between arginine and threonine. The variant is absent in a large population cohort (gnomAD v2.1 and v3.1), and has not been reported in the relevant medical literature or databases. Multiple lines of computational evidence have conflicting predictions for the missense substitution (3/6 algorithms predict deleterious). Based on the classification scheme RMH Modified ACMG Guidelines v1.3.2, this variant is classified as a VARIANT OF UNCERTAIN SIGNIFICANCE. Following criteria are met: PM2_Supporting.

NM_207111.4(RNF216):c.1172G>C (p.Arg391Thr)

Gene: RNF216 (ring finger protein 216; minus strand). Cytogenetic location: 7p22.1.
Variant type: single nucleotide variant.
Coding change: c.1172G>C on transcript NM_207111.4 (MANE Select); coding-DNA position 1172, G replaced by C.
Protein change: p.Arg391Thr; replaces arginine 391 with threonine.
Molecular consequence: missense variant.
Genome position (GRCh38, 1-based): chr7:5,730,767, C>G on the plus strand (G>C on the coding strand, the complement: RNF216 is on the minus strand). VCF-style: chr7-5730767-C-G. GRCh37 (hg19) VCF-style: chr7-5770398-C-G.
Other names: c.1001G>C, p.Arg334Thr (NM_001377156.1, NM_207116.3); short protein forms R334T, R391T.
Identifiers: ClinVar variation 1676240 (VCV001676240.3), dbSNP rs1472835365, ClinGen allele CA366729434.